The following is an entry in ClinVar:

NM_000901.5(NR3C2):c.1773T>C (p.Ser591=)

Gene: NR3C2 (nuclear receptor subfamily 3 group C member 2; minus strand). Cytogenetic location: 4q31.23.
Variant type: single nucleotide variant.
Coding change: c.1773T>C on transcript NM_000901.5 (MANE Select); coding-DNA position 1773, T replaced by C.
Protein change: p.Ser591=; no amino-acid change (serine 591 retained).
Molecular consequence: synonymous variant. On other transcripts: non-coding transcript variant (1).
Genome position (GRCh38, 1-based): chr4:148,260,102, A>G on the plus strand (T>C on the coding strand, the complement: NR3C2 is on the minus strand). VCF-style: chr4-148260102-A-G. GRCh37 (hg19) VCF-style: chr4-149181254-A-G.
Other names: c.1773T>C, p.Ser591= (NM_001166104.2, NM_001354819.1).
Identifiers: ClinVar variation 2655119 (VCV002655119.24), dbSNP rs55914141, ClinGen allele CA3100230.

ClinVar aggregate classification (germline): Likely benign (1 of 4 stars; one submission).

Allele frequency attached by ClinVar (database versions not stated): TOPMed 0.00011; ESP Exome Variant Server 0.00015; gnomAD 0.00021; gnomAD exomes 0.00023; ExAC 0.00028.
gnomAD v4.1: 374 of 1,613,984 alleles (0.023%); highest among the groups gnomAD compares: Non-Finnish European, 0.027%; 1 homozygote.

Submission:

CeGaT Center for Human Genetics Tuebingen
Classification: Likely benign. Last evaluated: 2022-10-01. Review status: criteria provided, single submitter. Criteria: CeGaT Center For Human Genetics Tuebingen Variant Classification Criteria Version 2. Collection method: clinical testing. Allele origin: germline. Affected: yes. Observed: 1 variant allele.
Comment: NR3C2: BP4, BS2